The following is an entry in ClinVar:

NM_001029883.3(PCARE):c.3002G>A (p.Trp1001Ter)

Gene: PCARE (photoreceptor cilium actin regulator; minus strand). Cytogenetic location: 2p23.2.
Variant type: single nucleotide variant.
Coding change: c.3002G>A on transcript NM_001029883.3 (MANE Select); coding-DNA position 3002, G replaced by A.
Protein change: p.Trp1001Ter; replaces tryptophan 1001 with a stop codon.
Molecular consequence: nonsense.
Genome position (GRCh38, 1-based): chr2:29,071,260, C>T on the plus strand (G>A on the coding strand, the complement: PCARE is on the minus strand). VCF-style: chr2-29071260-C-T. GRCh37 (hg19) VCF-style: chr2-29294126-C-T.
Other names: p.(Trp1001Ter); short protein forms W1001*.
Identifiers: ClinVar variation 438048 (VCV000438048.57), dbSNP rs367658438, ClinGen allele CA1592053.

ClinVar aggregate classification (germline): Pathogenic/Likely pathogenic. Review status: criteria provided, multiple submitters, no conflicts (2 of 4 stars). 16 submissions from 16 submitters: Pathogenic (12); Likely pathogenic (2). 2 of the submissions do not count toward it. Last evaluated 2026-05-28.

Conditions:
Retinitis pigmentosa 54 (RP54). Identifiers: Orphanet 791, MedGen C3150691, MONDO:0013263, OMIM 613428.
Retinitis pigmentosa (RP). Identifiers: Orphanet 791, MedGen C0035334, MeSH D012174, MONDO:0019200, OMIM 268000. Inheritance: Autosomal dominant, autosomal recessive and X linked inheritance.
Retinal disorder. Also called: Retinal disorders; Retinopathy; Retinopathies; Retinal Diseases. Identifiers: MedGen C0035309, MONDO:0005283, HP:0000488.
C2ORF71 & PCARE-related disorders.
PCARE-related disorder. Also called: PCARE-related condition.
Retinal dystrophy. Also called: Inherited retinal dystrophy. Identifiers: Orphanet 71862, MedGen C0854723, MeSH D058499, MONDO:0019118, HP:0000556.

Allele frequency attached by ClinVar (database versions not stated): ExAC 0.00003; TOPMed 0.00006.
gnomAD v4.1: 70 of 1,613,222 alleles (0.0043%); highest among the groups gnomAD compares: African/African-American, 0.0053%; no homozygotes.

Submissions (16):

Farin Genetics Laboratory
Classification: Pathogenic for Retinitis pigmentosa 54. Last evaluated: 2026-05-28. Review status: criteria provided, single submitter. Criteria: ACMG Guidelines, 2015. Collection method: clinical testing. Allele origin: germline. Inheritance: Autosomal recessive inheritance. Affected: yes. Observed: 1 variant allele, 1 homozygote.
Comment: The variant is predicted to introduce a premature termination codon and result in loss of normal PCARE protein function. Classification was performed according to ACMG/AMP 2015 criteria, considering predicted loss of function, rarity in population databases, recessive inheritance, and consistency of the retinal phenotype with PCARE-associated disease.

Genetics Laboratory, Great Ormond Street Hospital NHS Foundation Trust, North Thames Genomic Laboratory Hub
Classification: Pathogenic for Retinal disorders. Last evaluated: 2026-01-05. Review status: criteria provided, single submitter. Criteria: ACGS Best Practice Guidelines for Variant Classification in Rare Disease 2024 v1.2. Collection method: clinical testing. Allele origin: germline. Affected: yes.
Comment: PM2_moderate, PVS1_very-strong, PM3_strong

Labcorp Genetics (formerly Invitae), Labcorp
Classification: Pathogenic. Last evaluated: 2025-11-11. Review status: criteria provided, single submitter. Criteria: Invitae Variant Classification Sherloc (09022015). Collection method: clinical testing. Allele origin: germline.
Comment: This sequence change creates a premature translational stop signal (p.Trp1001*) in the PCARE gene. It is expected to result in an absent or disrupted protein product. Loss-of-function variants in PCARE are known to be pathogenic (PMID: 20398886, 24339724, 26496393). This variant is present in population databases (rs367658438, gnomAD 0.01%). This premature translational stop signal has been observed in individual(s) with retinitis pigmentosa (PMID: 21412943, 28041643). In at least one individual the data is consistent with being in trans (on the opposite chromosome) from a pathogenic variant. This variant is also known as C2Orf71 p.Trp1001*. ClinVar contains an entry for this variant (Variation ID: 438048). For these reasons, this variant has been classified as Pathogenic.

First Genomix Gene Laboratory, Genetic Diagnostics Department
Classification: Pathogenic for Retinitis pigmentosa 54. Last evaluated: 2025-01-21. Review status: criteria provided, single submitter. Criteria: ACMG Guidelines, 2015. Collection method: clinical testing. Allele origin: germline. Inheritance: Autosomal recessive inheritance. Affected: no. Observed: 1 variant allele.

Blueprint Genetics
Classification: Pathogenic for C2ORF71 & PCARE-related disorders. Last evaluated: 2024-11-14. Review status: criteria provided, single submitter. Criteria: ACMG Guidelines, 2015. Collection method: clinical testing. Allele origin: germline. Affected: yes. Observed: 5 variant alleles.

Department of Pathology and Laboratory Medicine, Sinai Health System
Classification: Likely pathogenic for Retinitis pigmentosa 54. Last evaluated: 2023-08-31. Review status: criteria provided, single submitter. Criteria: ACMG Guidelines, 2015. Collection method: research. Allele origin: germline.

GeneDx
Classification: Pathogenic. Last evaluated: 2023-02-24. Review status: criteria provided, single submitter. Criteria: GeneDx Variant Classification Process June 2021. Collection method: clinical testing. Allele origin: germline. Affected: yes.
Comment: Nonsense variant predicted to result in protein truncation or nonsense mediated decay in a gene for which loss-of-function is a known mechanism of disease; Not observed at a significant frequency in large population cohorts (gnomAD); This variant is associated with the following publications: (PMID: 34426522, 32581362, 32531858, 35836572, 21412943)

CeGaT Center for Human Genetics Tuebingen
Classification: Pathogenic. Last evaluated: 2022-09-01. Review status: criteria provided, single submitter. Criteria: CeGaT Center For Human Genetics Tuebingen Variant Classification Criteria Version 2. Collection method: clinical testing. Allele origin: germline. Affected: yes. Observed: 1 variant allele.
Comment: PCARE: PVS1, PM2, PM3

Institute of Human Genetics, Univ. Regensburg, Univ. Regensburg
Classification: Pathogenic for Retinal dystrophy. Last evaluated: 2022-01-01. Review status: criteria provided, single submitter. Criteria: ACMG Guidelines, 2015. Collection method: clinical testing. Allele origin: germline. Affected: yes.

Institute of Medical Genetics and Applied Genomics, University Hospital Tübingen
Classification: Pathogenic. Last evaluated: 2021-06-17. Review status: criteria provided, single submitter. Criteria: ACMG Guidelines, 2015. Collection method: clinical testing. Allele origin: germline. Inheritance: Autosomal recessive inheritance. Affected: yes.

Broad Center for Mendelian Genomics, Broad Institute of MIT and Harvard
Classification: Pathogenic for Retinitis pigmentosa. Last evaluated: 2021-04-01. Review status: criteria provided, single submitter. Criteria: ACMG Guidelines, 2015. Collection method: curation. Allele origin: germline. Inheritance: Autosomal recessive inheritance. Affected: yes.
Comment: Through a review of available evidence we were able to apply the following criteria: PVS1, PM2, PP1. Based on this evidence we have classified this variant as Pathogenic. If you have any questions about the classification please reach out to the Pierce Lab.

Institute of Medical Molecular Genetics, University of Zurich
Classification: Likely pathogenic for Retinitis pigmentosa 54. Last evaluated: 2021-01-30. Review status: criteria provided, single submitter. Criteria: ACMG Guidelines, 2015. Collection method: clinical testing. Allele origin: unknown. Affected: yes.

Centre for Mendelian Genomics, University Medical Centre Ljubljana
Classification: Pathogenic. Last evaluated: 2020-03-25. Review status: criteria provided, single submitter. Criteria: ACMG Guidelines, 2015. Collection method: clinical testing. Allele origin: unknown. Affected: yes.
Comment: This variant was classified as: Pathogenic. The following ACMG criteria were applied in classifying this variant: PVS1,PM3,PS4_MOD. This variant was detected in homozygous state.

Eurofins Ntd Llc (ga)
Classification: Pathogenic. Last evaluated: 2017-01-06. Review status: criteria provided, single submitter. Criteria: EGL Classification Definitions 2015. Collection method: clinical testing. Allele origin: germline. Observed: 1 variant allele, 1 heterozygote.

PreventionGenetics, part of Exact Sciences
Classification: Pathogenic for PCARE-related condition. Last evaluated: 2024-08-28. Review status: no assertion criteria provided. Collection method: clinical testing. Allele origin: germline. Not counted in ClinVar's aggregate classification.
Comment: The PCARE c.3002G>A variant is predicted to result in premature protein termination (p.Trp1001*). This variant has been reported in individuals with autosomal recessive retinitis pigmentosa (Audo et al. 2011. PubMed ID: 21412943; Tiwari et al. 2016. PubMed ID: 27353947; Table S1, Weisschuh et al. 2020. PubMed ID: 32531858; Table S1, Karali et al. 2022. PubMed ID: 36460718). This variant is reported in 0.011% of alleles in individuals of European (Non-Finnish) descent in gnomAD. Nonsense variants in PCARE are an established mechanism of disease. This variant is interpreted as pathogenic.

NIHR Bioresource Rare Diseases, University of Cambridge
Classification: Pathogenic for Retinitis pigmentosa. Last evaluated: 2015-01-01. Review status: no assertion criteria provided. Collection method: research. Allele origin: unknown. Affected: yes. Observed: 1 variant allele. Not counted in ClinVar's aggregate classification.

Literature cited by the submitters: PubMed 24339724 (cited by Farin Genetics Laboratory and Labcorp Genetics (formerly Invitae), Labcorp); PubMed 20398886 (cited by Farin Genetics Laboratory and Labcorp Genetics (formerly Invitae), Labcorp); PubMed 21412943 (cited by 6 submitters); PubMed 27353947 (cited by Farin Genetics Laboratory and Eurofins Ntd Llc (ga)); PubMed 26496393 (cited by Farin Genetics Laboratory and Labcorp Genetics (formerly Invitae), Labcorp); PubMed 28041643 (cited by Labcorp Genetics (formerly Invitae), Labcorp and NIHR Bioresource Rare Diseases, University of Cambridge); PubMed 31964843 (cited by Institute of Human Genetics, Univ. Regensburg, Univ. Regensburg); PubMed 32581362 (cited by Institute of Human Genetics, Univ. Regensburg, Univ. Regensburg); PubMed 32531858 (cited by Institute of Human Genetics, Univ. Regensburg, Univ. Regensburg); PubMed 34426522 (cited by Institute of Human Genetics, Univ. Regensburg, Univ. Regensburg); PubMed 36460718 (cited by Institute of Human Genetics, Univ. Regensburg, Univ. Regensburg); PubMed 35836572 (cited by Institute of Human Genetics, Univ. Regensburg, Univ. Regensburg); PubMed 36819107 (cited by Institute of Human Genetics, Univ. Regensburg, Univ. Regensburg); PubMed 34906470 (cited by Broad Center for Mendelian Genomics, Broad Institute of MIT and Harvard).